The following is an entry in ClinVar:

NM_006118.4(HAX1):c.480G>C (p.Trp160Cys)

Gene: HAX1 (HCLS1 associated protein X-1; plus strand). Cytogenetic location: 1q21.3.
Variant type: single nucleotide variant.
Coding change: c.480G>C on transcript NM_006118.4 (MANE Select); coding-DNA position 480, G replaced by C.
Protein change: p.Trp160Cys; replaces tryptophan 160 with cysteine.
Molecular consequence: missense variant.
Genome position (GRCh38, 1-based): chr1:154,273,937, G>C. VCF-style: chr1-154273937-G-C. GRCh37 (hg19) VCF-style: chr1-154246413-G-C.
Other names: c.480G>C (NM_006118.3); c.336G>C, p.Trp112Cys (NM_001018837.2); short protein forms W112C, W160C.
Identifiers: ClinVar variation 1517286 (VCV001517286.4), dbSNP rs1392118289, ClinGen allele CA342592915.

ClinVar aggregate classification (germline): Uncertain significance. Review status: criteria provided, multiple submitters, no conflicts (2 of 4 stars). 2 submissions from 2 submitters: Uncertain significance (2). Last evaluated 2024-12-03.

Conditions:
Inborn genetic diseases. Identifiers: MedGen C0950123, MeSH D030342.
Kostmann syndrome (SCN3). Also called: KOSTMANN DISEASE; Autosomal recessive severe congenital neutropenia type 3. Identifiers: Orphanet 99749, MedGen C5235141, MONDO:0012548, OMIM 610738.

Allele frequency attached by ClinVar (database versions not stated): gnomAD exomes below 0.00001.
gnomAD v4.1: 1 of 1,614,124 alleles (0.000062%); highest among the groups gnomAD compares: African/African-American, 0.0013%; no homozygotes.

Submissions (2):

Ambry Genetics
Classification: Uncertain significance for Inborn genetic diseases. Last evaluated: 2024-12-03. Review status: criteria provided, single submitter. Criteria: Ambry Variant Classification Scheme 2023. Collection method: clinical testing. Allele origin: germline.
Comment: The p.W160C variant (also known as c.480G>C), located in coding exon 3 of the HAX1 gene, results from a G to C substitution at nucleotide position 480. The tryptophan at codon 160 is replaced by cysteine, an amino acid with highly dissimilar properties. This amino acid position is conserved. In addition, this alteration is predicted to be tolerated by in silico analysis. Based on the available evidence, the clinical significance of this variant remains unclear.

Labcorp Genetics (formerly Invitae), Labcorp
Classification: Uncertain significance for Kostmann syndrome. Last evaluated: 2021-11-04. Review status: criteria provided, single submitter. Criteria: Invitae Variant Classification Sherloc (09022015). Collection method: clinical testing. Allele origin: germline.
Comment: This sequence change replaces tryptophan, which is neutral and slightly polar, with cysteine, which is neutral and slightly polar, at codon 160 of the HAX1 protein (p.Trp160Cys). This variant is not present in population databases (gnomAD no frequency). This variant has not been reported in the literature in individuals affected with HAX1-related conditions. Algorithms developed to predict the effect of missense changes on protein structure and function are either unavailable or do not agree on the potential impact of this missense change (SIFT: "Deleterious"; PolyPhen-2: "Possibly Damaging"; Align-GVGD: "Class C0"). In summary, the available evidence is currently insufficient to determine the role of this variant in disease. Therefore, it has been classified as a Variant of Uncertain Significance.